The following is an entry in ClinVar:

ClinVar aggregate classification (germline): Uncertain significance (1 of 4 stars; one submission).

gnomAD v4.1: 18 of 1,613,678 alleles (0.0011%); highest among the groups gnomAD compares: Non-Finnish European, 0.0015%; no homozygotes.

Submission:

Labcorp Genetics (formerly Invitae), Labcorp
Classification: Uncertain significance. Last evaluated: 2024-11-13. Review status: criteria provided, single submitter. Criteria: Invitae Variant Classification Sherloc (09022015). Collection method: clinical testing. Allele origin: germline.
Comment: This sequence change replaces glycine, which is neutral and non-polar, with aspartic acid, which is acidic and polar, at codon 688 of the SULF1 protein (p.Gly688Asp). This variant is present in population databases (no rsID available, gnomAD 0.003%). This variant has not been reported in the literature in individuals affected with SULF1-related conditions. An algorithm developed to predict the effect of missense changes on protein structure and function (PolyPhen-2) suggests that this variant is likely to be tolerated. In summary, the available evidence is currently insufficient to determine the role of this variant in disease. Therefore, it has been classified as a Variant of Uncertain Significance.

NM_001128205.2(SULF1):c.2063G>A (p.Gly688Asp)

Gene: SULF1 (sulfatase 1; plus strand). Cytogenetic location: 8q13.3.
Variant type: single nucleotide variant.
Coding change: c.2063G>A on transcript NM_001128205.2 (MANE Select); coding-DNA position 2063, G replaced by A.
Protein change: p.Gly688Asp; replaces glycine 688 with aspartic acid.
Molecular consequence: missense variant. On other transcripts: non-coding transcript variant (7).
Genome position (GRCh38, 1-based): chr8:69,628,191, G>A. VCF-style: chr8-69628191-G-A. GRCh37 (hg19) VCF-style: chr8-70540426-G-A.
Other names: c.2063G>A, p.Gly688Asp (NM_001412833.1, NM_001412834.1, NM_001412835.1 and 9 more transcripts); c.2006G>A, p.Gly669Asp (NM_001412836.1, NM_001412837.1); c.1934G>A, p.Gly645Asp (NM_001412838.1, NM_001412839.1, NM_001412840.1 and 1 more transcripts); c.1877G>A, p.Gly626Asp (NM_001412841.1, NM_001412842.1); c.1463G>A, p.Gly488Asp (NM_001412844.1, NM_001412845.1); c.272G>A, p.Gly91Asp (NM_001412846.1); short protein forms G626D, G669D, G688D, G645D, G488D, G91D.
Identifiers: ClinVar variation 3630532 (VCV003630532.2).